The following is an entry in ClinVar:

NM_005391.5(PDK3):c.577G>C (p.Val193Leu)

Gene: PDK3 (pyruvate dehydrogenase kinase 3; plus strand). Cytogenetic location: Xp22.11.
Variant type: single nucleotide variant.
Coding change: c.577G>C on transcript NM_005391.5 (MANE Select); coding-DNA position 577, G replaced by C.
Protein change: p.Val193Leu; replaces valine 193 with leucine.
Molecular consequence: missense variant.
Genome position (GRCh38, 1-based): chrX:24,505,280, G>C. VCF-style: chrX-24505280-G-C. GRCh37 (hg19) VCF-style: chrX-24523397-G-C.
Other names: c.577G>C, p.Val193Leu (NM_001142386.3); short protein forms V193L.
Identifiers: ClinVar variation 1346997 (VCV001346997.6), dbSNP rs764909872, ClinGen allele CA412605706.

ClinVar aggregate classification (germline): Uncertain significance (1 of 4 stars; one submission).

Conditions:
Charcot-Marie-Tooth disease X-linked dominant 6. Also called: CHARCOT-MARIE-TOOTH NEUROPATHY, X-LINKED DOMINANT, 6. Identifiers: Orphanet 352675, MedGen C3806702, MONDO:0010479, OMIM 300905.

gnomAD v4.1: 4 of 1,192,098 alleles (0.00034%); highest among the groups gnomAD compares: Non-Finnish European, 0.00046%; no homozygotes.

Submission:

Labcorp Genetics (formerly Invitae), Labcorp
Classification: Uncertain significance for Charcot-Marie-Tooth disease X-linked dominant 6. Last evaluated: 2023-10-10. Review status: criteria provided, single submitter. Criteria: Invitae Variant Classification Sherloc (09022015). Collection method: clinical testing. Allele origin: germline.
Comment: This sequence change replaces valine, which is neutral and non-polar, with leucine, which is neutral and non-polar, at codon 193 of the PDK3 protein (p.Val193Leu). This variant is not present in population databases (gnomAD no frequency). This variant has not been reported in the literature in individuals affected with PDK3-related conditions. ClinVar contains an entry for this variant (Variation ID: 1346997). Advanced modeling of protein sequence and biophysical properties (such as structural, functional, and spatial information, amino acid conservation, physicochemical variation, residue mobility, and thermodynamic stability) performed at Invitae indicates that this missense variant is not expected to disrupt PDK3 protein function. In summary, the available evidence is currently insufficient to determine the role of this variant in disease. Therefore, it has been classified as a Variant of Uncertain Significance.